The following is an entry in ClinVar:

NM_020320.5(RARS2):c.1261C>T (p.Gln421Ter)

Gene: RARS2 (arginyl-tRNA synthetase 2, mitochondrial; minus strand). Cytogenetic location: 6q15.
Variant type: single nucleotide variant.
Coding change: c.1261C>T on transcript NM_020320.5 (MANE Select); coding-DNA position 1261, C replaced by T.
Protein change: p.Gln421Ter; replaces glutamine 421 with a stop codon.
Molecular consequence: nonsense. On other transcripts: non-coding transcript variant (23).
Genome position (GRCh38, 1-based): chr6:87,518,868, G>A on the plus strand (C>T on the coding strand, the complement: RARS2 is on the minus strand). VCF-style: chr6-87518868-G-A. GRCh37 (hg19) VCF-style: chr6-88228586-G-A.
Other names: c.736C>T, p.Gln246Ter (NM_001318785.2, NM_001350506.2, NM_001350507.2 and 4 more transcripts); c.1261C>T, p.Gln421Ter (NM_001350505.2); short protein forms Q246*, Q421*.
Identifiers: ClinVar variation 2446713 (VCV002446713.4), dbSNP rs1726024963, ClinGen allele CA364923368.

ClinVar aggregate classification (germline): Pathogenic. Review status: criteria provided, single submitter (1 of 4 stars). 2 submissions from 2 submitters: Pathogenic (1). 1 of the submissions does not count toward it. Last evaluated 2023-06-16.

Conditions:
Pontocerebellar hypoplasia type 6 (PCH6). Identifiers: Orphanet 166073, MedGen C1969084, MONDO:0012683, OMIM 611523.

Submissions (2):

Labcorp Genetics (formerly Invitae), Labcorp
Classification: Pathogenic. Last evaluated: 2023-06-16. Review status: criteria provided, single submitter. Criteria: Invitae Variant Classification Sherloc (09022015). Collection method: clinical testing. Allele origin: germline.
Comment: For these reasons, this variant has been classified as Pathogenic. ClinVar contains an entry for this variant (Variation ID: 2446713). This variant has not been reported in the literature in individuals affected with RARS2-related conditions. This variant is not present in population databases (gnomAD no frequency). This sequence change creates a premature translational stop signal (p.Gln421*) in the RARS2 gene. It is expected to result in an absent or disrupted protein product. Loss-of-function variants in RARS2 are known to be pathogenic (PMID: 17847012, 22569581, 26083569).

Neurology Department of Pediatrics, The Third Affiliated Hospital of Zhengzhou University
Classification: Likely pathogenic for Pontocerebellar hypoplasia type 6. Review status: no assertion criteria provided. Collection method: clinical testing. Allele origin: paternal. Inheritance: Autosomal recessive inheritance. Affected: yes. Not counted in ClinVar's aggregate classification.

Literature cited by the submitters: PubMed 17847012 (cited by Labcorp Genetics (formerly Invitae), Labcorp); PubMed 22569581 (cited by Labcorp Genetics (formerly Invitae), Labcorp); PubMed 26083569 (cited by Labcorp Genetics (formerly Invitae), Labcorp).